The following is an entry in ClinVar:

NM_024675.4(PALB2):c.3175G>A (p.Val1059Ile)

Gene: PALB2 (partner and localizer of BRCA2; minus strand). Cytogenetic location: 16p12.2.
Variant type: single nucleotide variant.
Coding change: c.3175G>A on transcript NM_024675.4 (MANE Select); coding-DNA position 3175, G replaced by A.
Protein change: p.Val1059Ile; replaces valine 1059 with isoleucine.
Molecular consequence: missense variant.
Genome position (GRCh38, 1-based): chr16:23,614,030, C>T on the plus strand (G>A on the coding strand, the complement: PALB2 is on the minus strand). VCF-style: chr16-23614030-C-T. GRCh37 (hg19) VCF-style: chr16-23625351-C-T.
Other names: p.V1059I:GTC>ATC; short protein forms V1059I.
Identifiers: ClinVar variation 128139 (VCV000128139.16), dbSNP rs587780217, ClinGen allele CA288466.
Genomic context (GRCh38, chr16:23,614,030, plus strand): 5'-ACACACAAAGTGGTCCCAGCCAGTCATTACTTACCATTTCAGAATAGGCTTTGTGACAGA[C>T]TGAAGCTTGGTAAGAATCATCAATGTGCATCTTTTTCAGGAGTTGACCAGTTTTTAAATT-3'
Protein context (NP_078951.2, residues 1049-1069): MHIDDSYQAS[Val1059Ile]CHKAYSEMGL

ClinVar aggregate classification (germline): Uncertain significance. Review status: criteria provided, multiple submitters, no conflicts (2 of 4 stars). 3 submissions from 3 submitters: Uncertain significance (3). Last evaluated 2024-07-01.

Conditions:
Hereditary cancer-predisposing syndrome. Also called: Hereditary neoplastic syndrome; Neoplastic Syndromes, Hereditary; Hereditary Cancer Syndrome; Tumor predisposition. Identifiers: Orphanet 140162, MedGen C0027672, MeSH D009386, MONDO:0015356.
Familial cancer of breast. Also called: Hereditary breast cancer; BREAST CANCER, FAMILIAL; hereditary breast carcinoma. Identifiers: Orphanet 227535, MedGen C0346153, MONDO:0016419, OMIM 114480. Disease mechanism: loss of function.

Allele frequency attached by ClinVar (database versions not stated): ExAC 0.00001.

Submissions (3):

Labcorp Genetics (formerly Invitae), Labcorp
Classification: Uncertain significance for Familial cancer of breast. Last evaluated: 2024-07-01. Review status: criteria provided, single submitter. Criteria: Invitae Variant Classification Sherloc (09022015). Collection method: clinical testing. Allele origin: germline.
Comment: This sequence change replaces valine, which is neutral and non-polar, with isoleucine, which is neutral and non-polar, at codon 1059 of the PALB2 protein (p.Val1059Ile). This variant is not present in population databases (gnomAD no frequency). This variant has not been reported in the literature in individuals affected with PALB2-related conditions. ClinVar contains an entry for this variant (Variation ID: 128139). Advanced modeling of protein sequence and biophysical properties (such as structural, functional, and spatial information, amino acid conservation, physicochemical variation, residue mobility, and thermodynamic stability) performed at Invitae indicates that this missense variant is not expected to disrupt PALB2 protein function with a negative predictive value of 80%. In summary, the available evidence is currently insufficient to determine the role of this variant in disease. Therefore, it has been classified as a Variant of Uncertain Significance.

Ambry Genetics
Classification: Uncertain significance for Hereditary cancer-predisposing syndrome. Last evaluated: 2024-02-10. Review status: criteria provided, single submitter. Criteria: Ambry Variant Classification Scheme 2023. Collection method: clinical testing. Allele origin: germline.
Comment: The p.V1059I variant (also known as c.3175G>A), located in coding exon 11 of the PALB2 gene, results from a G to A substitution at nucleotide position 3175. The valine at codon 1059 is replaced by isoleucine, an amino acid with highly similar properties. This amino acid position is not well conserved in available vertebrate species. In addition, this alteration is predicted to be tolerated by in silico analysis. Since supporting evidence is limited at this time, the clinical significance of this alteration remains unclear.

GeneDx
Classification: Uncertain significance. Last evaluated: 2016-01-25. Review status: criteria provided, single submitter. Criteria: GeneDx Variant Classification (06012015). Collection method: clinical testing. Allele origin: germline. Affected: yes.
Comment: This variant is denoted PALB2 c.3175G>A at the cDNA level, p.Val1059Ile (V1059I) at the protein level, and results in the change of a Valine to an Isoleucine (GTC>ATC). This variant has not, to our knowledge, been published in the literature as pathogenic or benign. PALB2 Val1059Ile was not observed in approximately 6,500 individuals of European and African American ancestry in the NHLBI Exome Sequencing Project, suggesting it is not a common benign variant in these populations. Since Valine and Isoleucine share similar properties, this is considered a conservative amino acid substitution. PALB2 Val1059Ile occurs at a position where amino acids with properties similar to Valine are tolerated across species and is located within the WD5 repeat domain, the region required for POLH DNA synthesis stimulation, and the regions of interaction with multiple proteins (UniProt). In silico analyses predict that this variant is unlikely to alter protein structure or function. Based on currently available evidence, it is unclear whether PALB2 Val1059Ile is a pathogenic or benign variant. We consider it to be a variant of uncertain significance.